The following is an entry in ClinVar:

NM_001282116.2(RFX3):c.820A>G (p.Met274Val)

Gene: RFX3 (regulatory factor X3; minus strand). Cytogenetic location: 9p24.2.
Variant type: single nucleotide variant.
Coding change: c.820A>G on transcript NM_001282116.2 (MANE Select); coding-DNA position 820, A replaced by G.
Protein change: p.Met274Val; replaces methionine 274 with valine.
Molecular consequence: missense variant.
Genome position (GRCh38, 1-based): chr9:3,288,162, T>C on the plus strand (A>G on the coding strand, the complement: RFX3 is on the minus strand). VCF-style: chr9-3288162-T-C. GRCh37 (hg19) VCF-style: chr9-3288162-T-C.
Other names: c.820A>G, p.Met274Val (NM_001282117.2, NM_001377999.1, NM_002919.4 and 1 more transcripts); short protein forms M274V.
Identifiers: ClinVar variation 3906718 (VCV003906718.2).
Genomic context (GRCh38, chr9:3,288,162, plus strand): 5'-GACACATCAATGATAACTTCAGAGTCTACCTTTGTTTCTGTTGCATGGGTTGTTGTCTCA[T>C]AGCCATATACTGCATGTCTTCTTGCAGACGATTAAGAGGGGAATCTGGCTTGACACGAAT-3'
Protein context (NP_001269045.1, residues 264-284): RLQEDMQYMA[Met274Val]RQQPMQQKQR

ClinVar aggregate classification (germline): Uncertain significance (1 of 4 stars; one submission).

Conditions:
RFX3-related neurodevelopmental disorder with autism and other behavioural abnormalities. Identifiers: MedGen CN380220, MONDO:0700361.

gnomAD v4.1: 1 of 1,612,900 alleles (0.000062%); highest among the groups gnomAD compares: Non-Finnish European, 0.000085%; no homozygotes.

Submission:

GeneDx
Classification: Uncertain significance. Last evaluated: 2024-12-18. Review status: criteria provided, single submitter. Criteria: GeneDx Variant Classification Process June 2021. Collection method: clinical testing. Allele origin: germline. Affected: yes.
Comment: Not observed at significant frequency in large population cohorts (gnomAD); In silico analysis supports that this missense variant has a deleterious effect on protein structure/function; Has not been previously published as pathogenic or benign to our knowledge